The following is an entry in ClinVar:

NM_001384140.1(PCDH15):c.3539_3540dup (p.Tyr1181fs)

Gene: PCDH15 (protocadherin related 15; minus strand). Cytogenetic location: 10q21.1.
Variant type: Duplication.
Coding change: c.3539_3540dup on transcript NM_001384140.1 (MANE Select); coding-DNA positions 3539 to 3540, 2 bases duplicated (CC; older notation c.3539_3540dupCC).
Protein change: p.Tyr1181fs; shifts the reading frame from tyrosine 1181.
Molecular consequence: frameshift variant.
Genome position (GRCh38, 1-based): chr10:53,866,819-53,866,820, GG duplicated on the plus strand (CC on the coding strand, the reverse complement: PCDH15 is on the minus strand). VCF-style (leftmost placement, unchanged base first): chr10-53866818-A-AGG. GRCh37 (hg19) VCF-style: chr10-55626578-A-AGG.
Other names: c.3554_3555dup, p.Tyr1186fs (NM_001142763.2, NM_001142771.2); c.3539_3540dup, p.Tyr1181fs (NM_001142764.2, NM_001142766.2, NM_001142770.3 and 4 more transcripts); c.3326_3327dup, p.Tyr1110fs (NM_001142765.2); c.3428_3429dup, p.Tyr1144fs (NM_001142767.2); c.3473_3474dup, p.Tyr1159fs (NM_001142768.2, NM_001142773.2, NM_001354404.2); c.3575_3576dup, p.Tyr1193Profs (NM_001142769.4); c.3560_3561dup, p.Tyr1188fs (NM_001354411.2); short protein forms Y1110fs, Y1144fs, Y1159fs, Y1181fs, Y1186fs, Y1188fs, Y1193fs.
Identifiers: ClinVar variation 4816369 (VCV004816369.1).

ClinVar aggregate classification (germline): Likely pathogenic (1 of 4 stars; one submission).

Conditions:
Usher syndrome type 1F (USH1F). Also called: USHER SYNDROME, TYPE IF. Identifiers: Orphanet 231169, Orphanet 886, MedGen C1865885, MONDO:0011186, OMIM 602083.

Submission:

Natera, Inc.
Classification: Likely pathogenic for Usher syndrome type 1F. Last evaluated: 2025-09-03. Review status: criteria provided, single submitter. Criteria: Natera Variant Classification Schema (03/2026). Collection method: clinical testing. Allele origin: germline.
Comment: The c.3539_3540dup variant in PCDH15 is a frameshift variant predicted to shift the reading frame beginning at codon 1181 and leads to a stop codon 5 codons downstream. This variant is expected to result in nonsense mediated decay, truncation, or a dysfunctional protein product. This variant is rare in the general population with a frequency below the threshold expected for the associated phenotype(s). Given the available evidence, this variant is classified as Likely Pathogenic.